The following is an entry in ClinVar:

ClinVar aggregate classification (germline): Uncertain significance. Review status: criteria provided, multiple submitters, no conflicts (2 of 4 stars). 2 submissions from 2 submitters: Uncertain significance (2). Last evaluated 2025-10-06.

Conditions:
Inborn genetic diseases. Identifiers: MedGen C0950123, MeSH D030342.

Allele frequency attached by ClinVar (database versions not stated): gnomAD 0.00004; TOPMed 0.00006; ESP Exome Variant Server 0.00008; gnomAD exomes 0.00004; ExAC 0.00007.
gnomAD v4.1: 66 of 1,613,866 alleles (0.0041%); highest among the groups gnomAD compares: African/African-American, 0.013%; no homozygotes.

Submissions (2):

Ambry Genetics
Classification: Uncertain significance for Inborn genetic diseases. Last evaluated: 2025-10-06. Review status: criteria provided, single submitter. Criteria: Ambry Variant Classification Scheme 2023. Collection method: clinical testing. Allele origin: germline.

Labcorp Genetics (formerly Invitae), Labcorp
Classification: Uncertain significance. Last evaluated: 2022-02-13. Review status: criteria provided, single submitter. Criteria: Invitae Variant Classification Sherloc (09022015). Collection method: clinical testing. Allele origin: germline.
Comment: This sequence change replaces alanine, which is neutral and non-polar, with valine, which is neutral and non-polar, at codon 3945 of the DNAH9 protein (p.Ala3945Val). This variant is present in population databases (rs376820901, gnomAD 0.01%). This variant has not been reported in the literature in individuals affected with DNAH9-related conditions. Algorithms developed to predict the effect of missense changes on protein structure and function output the following: SIFT: "Tolerated"; PolyPhen-2: "Benign"; Align-GVGD: "Class C0". The valine amino acid residue is found in multiple mammalian species, which suggests that this missense change does not adversely affect protein function. In summary, the available evidence is currently insufficient to determine the role of this variant in disease. Therefore, it has been classified as a Variant of Uncertain Significance.

NM_001372.4(DNAH9):c.11834C>T (p.Ala3945Val)

Gene: DNAH9 (dynein axonemal heavy chain 9; plus strand). Cytogenetic location: 17p12.
Variant type: single nucleotide variant.
Coding change: c.11834C>T on transcript NM_001372.4 (MANE Select); coding-DNA position 11834, C replaced by T.
Protein change: p.Ala3945Val; replaces alanine 3945 with valine.
Molecular consequence: missense variant.
Genome position (GRCh38, 1-based): chr17:11,923,898, C>T. VCF-style: chr17-11923898-C-T. GRCh37 (hg19) VCF-style: chr17-11827215-C-T.
Other names: c.770C>T, p.Ala257Val (NM_004662.2); c.11834C>T (NM_001372.3); short protein forms A257V, A3945V.
Identifiers: ClinVar variation 2420129 (VCV002420129.4), dbSNP rs376820901, ClinGen allele CA8397964.
Genomic context (GRCh38, chr17:11,923,898, plus strand): 5'-ACAATCAGAACTTTCACAACGTGTCTTTGGGGCAAGGACAGGAAGTGGTGGCTGAGGCTG[C>T]GCTGGACCTCGCTGCCAAGAAAGGTCACTGGGTTATTTTGCAGGTATGTTCCTCTACCCT-3'
Protein context (NP_001363.2, residues 3935-3955): GQGQEVVAEA[Ala3945Val]LDLAAKKGHW